The following is an entry in ClinVar:

NM_002691.4(POLD1):c.673C>G (p.Arg225Gly)

Gene: POLD1 (DNA polymerase delta 1, catalytic subunit; plus strand). Cytogenetic location: 19q13.33.
Variant type: single nucleotide variant.
Coding change: c.673C>G on transcript NM_002691.4 (MANE Select); coding-DNA position 673, C replaced by G.
Protein change: p.Arg225Gly; replaces arginine 225 with glycine.
Molecular consequence: missense variant. On other transcripts: non-coding transcript variant (1).
Genome position (GRCh38, 1-based): chr19:50,402,288, C>G. VCF-style: chr19-50402288-C-G. GRCh37 (hg19) VCF-style: chr19-50905545-C-G.
Other names: c.673C>G, p.Arg225Gly (NM_001256849.1, NM_001308632.1); short protein forms R225G.
Identifiers: ClinVar variation 2448198 (VCV002448198.2), dbSNP rs763249087, ClinGen allele CA406974288.
Genomic context (GRCh38, chr19:50,402,288, plus strand): 5'-GGCCCCTCCCCGTTCCTGCGCATCACCGTGGCGCTGCCGCGCCTCGTGGCCCCGGCCCGC[C>G]GTCTCCTGGAACAGGGCATCCGTGTGGCAGGCCTGGGCACGCCCAGCTTCGCGCCCTACG-3'
Protein context (NP_002682.2, residues 215-235): ALPRLVAPAR[Arg225Gly]LLEQGIRVAG

ClinVar aggregate classification (germline): Uncertain significance (1 of 4 stars; one submission).

Conditions:
Hereditary cancer-predisposing syndrome. Also called: Neoplastic Syndromes, Hereditary; Hereditary Cancer Syndrome; Tumor predisposition; Hereditary neoplastic syndrome. Identifiers: Orphanet 140162, MedGen C0027672, MeSH D009386, MONDO:0015356.

Submission:

Ambry Genetics
Classification: Uncertain significance for Hereditary cancer-predisposing syndrome. Last evaluated: 2022-11-27. Review status: criteria provided, single submitter. Criteria: Ambry Variant Classification Scheme 2023. Collection method: clinical testing. Allele origin: germline.
Comment: The p.R225G variant (also known as c.673C>G), located in coding exon 5 of the POLD1 gene, results from a C to G substitution at nucleotide position 673. The arginine at codon 225 is replaced by glycine, an amino acid with dissimilar properties. This amino acid position is conserved. In addition, this alteration is predicted to be tolerated by in silico analysis. Since supporting evidence is limited at this time, the clinical significance of this alteration remains unclear.